The following is an entry in ClinVar:

NM_002709.3(PPP1CB):c.42G>C (p.Arg14=)

Gene: PPP1CB (protein phosphatase 1 catalytic subunit beta; plus strand). Cytogenetic location: 2p23.2.
Variant type: single nucleotide variant.
Coding change: c.42G>C on transcript NM_002709.3 (MANE Select); coding-DNA position 42, G replaced by C.
Protein change: p.Arg14=; no amino-acid change (arginine 14 retained).
Molecular consequence: synonymous variant.
Genome position (GRCh38, 1-based): chr2:28,752,166, G>C. VCF-style: chr2-28752166-G-C. GRCh37 (hg19) VCF-style: chr2-28975032-G-C.
Other names: c.42G>C, p.Arg14= (NM_206876.2).
Identifiers: ClinVar variation 3038158 (VCV003038158.3), dbSNP rs1192574840, ClinGen allele CA425514138.

ClinVar aggregate classification (germline): Likely benign. Review status: criteria provided, single submitter (1 of 4 stars). 2 submissions from 2 submitters: Likely benign (1). 1 of the submissions does not count toward it. Last evaluated 2022-02-09.

Conditions:
PPP1CB-related disorder. Also called: PPP1CB-related condition.

gnomAD v4.1: 1 of 1,547,678 alleles (0.000065%); no homozygotes.

Submissions (2):

Blueprint Genetics
Classification: Likely benign. Last evaluated: 2022-02-09. Review status: criteria provided, single submitter. Criteria: ACMG Guidelines, 2015. Collection method: clinical testing. Allele origin: germline.

PreventionGenetics, part of Exact Sciences
Classification: Likely benign for PPP1CB-related condition. Last evaluated: 2022-07-19. Review status: no assertion criteria provided. Collection method: clinical testing. Allele origin: germline. Not counted in ClinVar's aggregate classification.
Comment: This variant is classified as likely benign based on ACMG/AMP sequence variant interpretation guidelines (Richards et al. 2015 PMID: 25741868, with internal and published modifications).